The following is an entry in ClinVar:

NM_000183.3(HADHB):c.739C>T (p.Arg247Cys)

Gene: HADHB (hydroxyacyl-CoA dehydrogenase trifunctional multienzyme complex subunit beta; plus strand). Cytogenetic location: 2p23.3.
Variant type: single nucleotide variant.
Coding change: c.739C>T on transcript NM_000183.3 (MANE Select); coding-DNA position 739, C replaced by T.
Protein change: p.Arg247Cys; replaces arginine 247 with cysteine.
Molecular consequence: missense variant.
Genome position (GRCh38, 1-based): chr2:26,279,243, C>T. VCF-style: chr2-26279243-C-T. GRCh37 (hg19) VCF-style: chr2-26502111-C-T.
Other names: c.694C>T, p.Arg232Cys (NM_001281512.2); c.673C>T, p.Arg225Cys (NM_001281513.2); short protein forms R225C, R232C, R247C.
Identifiers: ClinVar variation 2635256 (VCV002635256.7), dbSNP rs755064267, ClinGen allele CA1560324.

ClinVar aggregate classification (germline): Pathogenic. Review status: criteria provided, multiple submitters, no conflicts (2 of 4 stars). 4 submissions from 4 submitters: Pathogenic (4). Last evaluated 2025-03-07.

Conditions:
Mitochondrial trifunctional protein deficiency. Identifiers: Orphanet 746, MedGen C1969443, MONDO:0012172.
Mitochondrial trifunctional protein deficiency 2 (MTPD2). Identifiers: MedGen C5830374, MONDO:0958185, OMIM 620300.
HADHB-related disorder. Also called: HADHB-related condition.
Mitochondrial trifunctional protein deficiency 1 (MTPD1). Identifiers: MedGen CN376812, MONDO:0958181, OMIM 609015.

Allele frequency attached by ClinVar (database versions not stated): gnomAD 0.00001; gnomAD exomes 0.00001; TOPMed 0.00001; ExAC 0.00001.

Submissions (4):

Labcorp Genetics (formerly Invitae), Labcorp
Classification: Pathogenic for Mitochondrial trifunctional protein deficiency. Last evaluated: 2025-03-07. Review status: criteria provided, single submitter. Criteria: Invitae Variant Classification Sherloc (09022015). Collection method: clinical testing. Allele origin: germline.
Comment: This sequence change replaces arginine, which is basic and polar, with cysteine, which is neutral and slightly polar, at codon 247 of the HADHB protein (p.Arg247Cys). This variant is present in population databases (rs755064267, gnomAD 0.01%). This missense change has been observed in individual(s) with mitochondrial trifunctional protein deficiency (PMID: 19699128). In at least one individual the data is consistent with being in trans (on the opposite chromosome) from a pathogenic variant. This variant is also known as R214C. ClinVar contains an entry for this variant (Variation ID: 2635256). Invitae Evidence Modeling of protein sequence and biophysical properties (such as structural, functional, and spatial information, amino acid conservation, physicochemical variation, residue mobility, and thermodynamic stability) indicates that this missense variant is expected to disrupt HADHB protein function with a positive predictive value of 80%. Experimental studies have shown that this missense change affects HADHB function (PMID: 19699128). This variant disrupts the p.Arg247 amino acid residue in HADHB. Other variant(s) that disrupt this residue have been determined to be pathogenic (PMID: 8651282, 12754706). This suggests that this residue is clinically significant, and that variants that disrupt this residue are likely to be disease-causing. For these reasons, this variant has been classified as Pathogenic.

Baylor Genetics
Classification: Pathogenic for Mitochondrial trifunctional protein deficiency 1. Last evaluated: 2024-03-01. Review status: criteria provided, single submitter. Criteria: ACMG Guidelines, 2015. Collection method: clinical testing. Allele origin: unknown.

PreventionGenetics, part of Exact Sciences
Classification: Pathogenic for HADHB-related condition. Last evaluated: 2022-08-24. Review status: criteria provided, single submitter. Criteria: ACMG Guidelines, 2015. Collection method: clinical testing. Allele origin: germline.
Comment: The HADHB c.739C>T variant is predicted to result in the amino acid substitution p.Arg247Cys. Western blot analysis revealed a greatly decreased level of MTP-alpha and MTP-beta subunits in the patient’s fibroblasts. In an in vitro functional study, activity of the MTP complex containing the p.Arg247Cys amino acid change was reduced to less than 10% of controls (Purevsuren et al. 2009. PubMed ID: 19699128, Patient 3, variant described as R214C). A different change at the same amino acid (p.Arg247His) has also been reported in a patient with suspected MTP deficiency (Ushikubo et al. 1996. PubMed ID: 8651282, Patient 3 in Table 2). This variant is reported in 0.010% of alleles in individuals of East Asian descent in gnomAD. This variant is interpreted as pathogenic.

Juno Genomics, Hangzhou Juno Genomics, Inc
Classification: Pathogenic for Mitochondrial trifunctional protein deficiency 2. Review status: criteria provided, single submitter. Criteria: ACMG Guidelines, 2015. Collection method: clinical testing. Allele origin: germline.
Comment: Absent from controls (or at extremely low frequency if recessive) in Genome Aggregation Database.;Multiple lines of computational evidence support a deleterious effect on the gene or gene product.;For recessive disorders, detected in trans with a pathogenic variant.;Patient's phenotype or family history is highly specific for a disease with a single genetic etiology.;Novel missense change at an amino acid residue where a different missense change determined to be pathogenic has been seen before.

Literature cited by the submitters: PubMed 19699128 (cited by Labcorp Genetics (formerly Invitae), Labcorp); PubMed 8651282 (cited by Labcorp Genetics (formerly Invitae), Labcorp); PubMed 12754706 (cited by Labcorp Genetics (formerly Invitae), Labcorp).